The following is an entry in ClinVar:

NM_152383.5(DIS3L2):c.874C>A (p.Arg292=)

Gene: DIS3L2 (DIS3 like 3'-5' exoribonuclease 2; plus strand). Cytogenetic location: 2q37.1.
Variant type: single nucleotide variant.
Coding change: c.874C>A on transcript NM_152383.5 (MANE Select); coding-DNA position 874, C replaced by A.
Protein change: p.Arg292=; no amino-acid change (arginine 292 retained).
Molecular consequence: synonymous variant. On other transcripts: non-coding transcript variant (1).
Genome position (GRCh38, 1-based): chr2:232,136,643, C>A. VCF-style: chr2-232136643-C-A. GRCh37 (hg19) VCF-style: chr2-233001353-C-A.
Other names: c.874C>A, p.Arg292= (NM_001257281.2).
Identifiers: ClinVar variation 416348 (VCV000416348.17), dbSNP rs182004457, ClinGen allele CA2163962.

ClinVar aggregate classification (germline): Benign/Likely benign. Review status: criteria provided, multiple submitters, no conflicts (2 of 4 stars). 5 submissions from 5 submitters: Benign (2); Likely benign (2). 1 of the submissions does not count toward it. Last evaluated 2025-12-28.

Conditions:
Perlman syndrome (PRLMNS). Identifiers: Orphanet 2849, MedGen C0796113, MONDO:0009965, OMIM 267000.
DIS3L2-related disorder. Also called: DIS3L2-related condition.

Allele frequency attached by ClinVar (database versions not stated): 1000 Genomes Project 30x 0.00078; 1000 Genomes Project 0.00080; TOPMed 0.00104; ESP Exome Variant Server 0.00115.
gnomAD v4.1: 339 of 1,613,786 alleles (0.021%); highest among the groups gnomAD compares: African/African-American, 0.44%; 1 homozygote.

Submissions (5):

Labcorp Genetics (formerly Invitae), Labcorp
Classification: Benign for Perlman syndrome. Last evaluated: 2025-12-28. Review status: criteria provided, single submitter. Criteria: Invitae Variant Classification Sherloc (09022015). Collection method: clinical testing. Allele origin: germline.

Sema4
Classification: Likely benign for Perlman syndrome. Last evaluated: 2021-10-27. Review status: criteria provided, single submitter. Criteria: Sema4 Curation Guidelines. Collection method: curation. Allele origin: germline.

Blueprint Genetics
Classification: Likely benign. Last evaluated: 2020-09-24. Review status: criteria provided, single submitter. Criteria: ACMG Guidelines, 2015. Collection method: clinical testing. Allele origin: germline.

Breakthrough Genomics
Classification: Benign. Review status: criteria provided, single submitter. Criteria: ACMG Guidelines, 2015. Collection method: not provided. Allele origin: germline. Inheritance: Autosomal recessive inheritance. Affected: yes.

PreventionGenetics, part of Exact Sciences
Classification: Likely benign for DIS3L2-related condition. Last evaluated: 2019-04-22. Review status: no assertion criteria provided. Collection method: clinical testing. Allele origin: germline. Not counted in ClinVar's aggregate classification.
Comment: This variant is classified as likely benign based on ACMG/AMP sequence variant interpretation guidelines (Richards et al. 2015 PMID: 25741868, with internal and published modifications).